The following is an entry in ClinVar:

NM_001348800.3(ZBTB20):c.438GTCAGTGCA[1] (p.147SVQ[1])

Gene: ZBTB20 (zinc finger and BTB domain containing 20; minus strand). Cytogenetic location: 3q13.31.
Variant type: Microsatellite.
Coding change: c.438GTCAGTGCA[1] on transcript NM_001348800.3 (MANE Select); one copy of the 9-base unit GTCAGTGCA starting at c.438; the reference has two copies in a row; one copy, 9 bases deleted.
Protein change: p.147SVQ[1].
Molecular consequence: inframe deletion.
Genome position (GRCh38, 1-based): chr3:114,351,623-114,351,631, TGCACTGAC deleted on the plus strand (GTCAGTGCA on the coding strand, the reverse complement: ZBTB20 is on the minus strand); deleting any 9 consecutive bases within chr3:114,351,623-114,351,640 gives the same sequence; the position shown is the placement nearest the transcript's 3' end. VCF-style (leftmost placement, unchanged base first): chr3-114351622-TTGCACTGAC-T. GRCh37 (hg19) VCF-style: chr3-114070469-TTGCACTGAC-T.
Other names: c.438GTCAGTGCA[1], p.147SVQ[1] (NM_001164342.2, NM_001348803.3, NM_001393393.1 and 1 more transcripts); c.219GTCAGTGCA[1], p.74SVQ[1] (NM_001164343.2, NM_001164344.4, NM_001164345.4 and 9 more transcripts).
Identifiers: ClinVar variation 2745530 (VCV002745530.3), dbSNP rs2550505752, ClinGen allele CA2697556802.
Genomic context (GRCh38, chr3:114,351,622, plus strand): 5'-CTGCAGAGCTTCCGACTGCGAGACCCGTAGCACGCCGCTGTACATGAAGTCAATGAGCTT[TTGCACTGAC>T]TGCACTGACACCACCGACGGGATCTCGATGTCGCTGTAGCCAAGCAGCAGTTTGTCCTGG-3'

ClinVar aggregate classification (germline): Uncertain significance (1 of 4 stars; one submission).

Submission:

Labcorp Genetics (formerly Invitae), Labcorp
Classification: Uncertain significance. Last evaluated: 2024-05-15. Review status: criteria provided, single submitter. Criteria: Invitae Variant Classification Sherloc (09022015). Collection method: clinical testing. Allele origin: germline.
Comment: This variant, c.447_455del, results in the deletion of 3 amino acid(s) of the ZBTB20 protein (p.Ser150_Gln152del), but otherwise preserves the integrity of the reading frame. This variant is not present in population databases (gnomAD no frequency). This variant has not been reported in the literature in individuals affected with ZBTB20-related conditions. Experimental studies and prediction algorithms are not available or were not evaluated, and the functional significance of this variant is currently unknown. In summary, the available evidence is currently insufficient to determine the role of this variant in disease. Therefore, it has been classified as a Variant of Uncertain Significance.